The following is an entry in ClinVar:

NM_003128.3(SPTBN1):c.3092A>C (p.Gln1031Pro)

Gene: SPTBN1 (spectrin beta, non-erythrocytic 1; plus strand). Cytogenetic location: 2p16.2.
Variant type: single nucleotide variant.
Coding change: c.3092A>C on transcript NM_003128.3 (MANE Select); coding-DNA position 3092, A replaced by C.
Protein change: p.Gln1031Pro; replaces glutamine 1031 with proline.
Molecular consequence: missense variant.
Genome position (GRCh38, 1-based): chr2:54,631,139, A>C. VCF-style: chr2-54631139-A-C. GRCh37 (hg19) VCF-style: chr2-54858276-A-C.
Other names: c.3053A>C, p.Gln1018Pro (NM_178313.3); short protein forms Q1018P, Q1031P.
Identifiers: ClinVar variation 3384848 (VCV003384848.1).
Genomic context (GRCh38, chr2:54,631,139, plus strand): 5'-AGCTGAGTGACCTGCAGAAGGAGGCGGAGAAGCTGGAGTCCGAGCACCCCGACCAGGCCC[A>C]GGCCATCCTGTCTCGGCTGGCCGAGATCAGCGACGTGTGGGAGGAGATGAAGACCACCCT-3'
Protein context (NP_003119.2, residues 1021-1041): KLESEHPDQA[Gln1031Pro]AILSRLAEIS

ClinVar aggregate classification (germline): Uncertain significance (1 of 4 stars; one submission).

gnomAD v4.1: 5 of 1,614,188 alleles (0.00031%); highest among the groups gnomAD compares: African/African-American, 0.0013%; no homozygotes.

Submission:

Women's Health and Genetics/Laboratory Corporation of America, LabCorp
Classification: Uncertain significance. Last evaluated: 2024-10-08. Review status: criteria provided, single submitter. Criteria: LabCorp Variant Classification Summary - May 2015. Collection method: clinical testing. Allele origin: germline.
Comment: Variant summary: SPTBN1 c.3092A>C (p.Gln1031Pro) results in a non-conservative amino acid change in the encoded protein sequence. Three of five in-silico tools predict a benign effect of the variant on protein function. The variant allele was found at a frequency of 4e-06 in 250986 control chromosomes. The available data on variant occurrences in the general population are insufficient to allow any conclusion about variant significance. To our knowledge, no occurrence of c.3092A>C in individuals affected with Developmental Delay, Impaired Speech, And Behavioral Abnormalities and no experimental evidence demonstrating its impact on protein function have been reported. No submitters have cited clinical-significance assessments for this variant to ClinVar. Based on the evidence outlined above, the variant was classified as uncertain significance.